The following is an entry in ClinVar:

ClinVar aggregate classification (germline): Likely benign. Review status: criteria provided, multiple submitters, no conflicts (2 of 4 stars). 4 submissions from 4 submitters: Likely benign (4). Last evaluated 2025-07-16.

Conditions:
RYR1-related disorder. Also called: RYR1-related disorders; RYR1-related condition. Identifiers: MedGen CN239331.
Malignant hyperthermia, susceptibility to, 1 (MHS1). Also called: RYR1-Related Malignant Hyperthermia Susceptibility; Malignant hyperthermia suceptibility 1; Anesthesia related hyperthermia; Malignant hyperpyrexia; Fulminating hyperpyrexia; Pharmacogenic myopathy. Identifiers: Orphanet 423, MedGen C2930980, MONDO:0007783, OMIM 145600.

Allele frequency attached by ClinVar (database versions not stated): gnomAD 0.00003; TOPMed 0.00003.
gnomAD v4.1: 42 of 1,613,810 alleles (0.0026%); highest among the groups gnomAD compares: African/African-American, 0.0053%; no homozygotes.

Submissions (4):

Labcorp Genetics (formerly Invitae), Labcorp
Classification: Likely benign for RYR1-related disorder. Last evaluated: 2025-07-16. Review status: criteria provided, single submitter. Criteria: Invitae Variant Classification Sherloc (09022015). Collection method: clinical testing. Allele origin: germline.

Mayo Clinic Laboratories, Mayo Clinic
Classification: Likely benign. Last evaluated: 2025-04-11. Review status: criteria provided, single submitter. Criteria: ACMG Guidelines, 2015. Collection method: clinical testing. Allele origin: germline. Observed: 1 variant allele.
Comment: BP4, BP7

All of Us Research Program, National Institutes of Health
Classification: Likely benign for Malignant hyperthermia, susceptibility to, 1. Last evaluated: 2024-02-05. Review status: criteria provided, single submitter. Criteria: ACMG Guidelines, 2015. Collection method: clinical testing. Allele origin: germline. Inheritance: Autosomal dominant inheritance. Observed: 7 variant alleles, 7 heterozygotes.
Comment: This study involves interpretation of variants in research participants for the purpose of population health screening. Participant phenotype was not available at the time of variant classification. Additional details can be found in publication PMID: 35346344, PMCID: PMC8962531

Color Diagnostics, LLC DBA Color Health
Classification: Likely benign for Malignant hyperthermia, susceptibility to, 1. Last evaluated: 2022-11-06. Review status: criteria provided, single submitter. Criteria: ACMG Guidelines, 2015. Collection method: clinical testing. Allele origin: germline.

NM_000540.3(RYR1):c.4377C>T (p.His1459=)

Gene: RYR1 (ryanodine receptor 1; plus strand). Cytogenetic location: 19q13.2.
Variant type: single nucleotide variant.
Coding change: c.4377C>T on transcript NM_000540.3 (MANE Select); coding-DNA position 4377, C replaced by T.
Protein change: p.His1459=; no amino-acid change (histidine 1459 retained).
Molecular consequence: synonymous variant.
Genome position (GRCh38, 1-based): chr19:38,477,793, C>T. VCF-style: chr19-38477793-C-T. GRCh37 (hg19) VCF-style: chr19-38968433-C-T.
Other names: p.His1459=; c.4377C>T, p.His1459= (NM_001042723.2).
Identifiers: ClinVar variation 743114 (VCV000743114.12), dbSNP rs772882086, ClinGen allele CA065996.